The following is an entry in ClinVar:

NM_024675.4(PALB2):c.1583A>T (p.Glu528Val)

Gene: PALB2 (partner and localizer of BRCA2; minus strand). Cytogenetic location: 16p12.2.
Variant type: single nucleotide variant.
Coding change: c.1583A>T on transcript NM_024675.4 (MANE Select); coding-DNA position 1583, A replaced by T.
Protein change: p.Glu528Val; replaces glutamic acid 528 with valine.
Molecular consequence: missense variant. On other transcripts: intron variant (3).
Genome position (GRCh38, 1-based): chr16:23,634,963, T>A on the plus strand (A>T on the coding strand, the complement: PALB2 is on the minus strand). VCF-style: chr16-23634963-T-A. GRCh37 (hg19) VCF-style: chr16-23646284-T-A.
Other names: c.698A>T, p.Glu233Val (NM_001407304.1, NM_001407305.1, NM_001407306.1 and 5 more transcripts); c.49-5688A>T (NM_001407314.1); c.-104-4494A>T (NM_001407313.1, NM_001407312.1); c.1523A>T, p.Glu508Val (NM_001407296.1); c.1583A>T, p.Glu528Val (NM_001407297.1, NM_001407298.1, NM_001407299.1 and 3 more transcripts); short protein forms E508V, E528V, E233V.
Identifiers: ClinVar variation 2453298 (VCV002453298.2), dbSNP rs2506472616, ClinGen allele CA395130623.

ClinVar aggregate classification (germline): Uncertain significance (1 of 4 stars; one submission).

Conditions:
Hereditary cancer-predisposing syndrome. Also called: Neoplastic Syndromes, Hereditary; Tumor predisposition; Hereditary neoplastic syndrome; Hereditary Cancer Syndrome. Identifiers: Orphanet 140162, MedGen C0027672, MeSH D009386, MONDO:0015356.

Submission:

Ambry Genetics
Classification: Uncertain significance for Hereditary cancer-predisposing syndrome. Last evaluated: 2023-01-12. Review status: criteria provided, single submitter. Criteria: Ambry Variant Classification Scheme 2023. Collection method: clinical testing. Allele origin: germline.
Comment: The p.E528V variant (also known as c.1583A>T), located in coding exon 4 of the PALB2 gene, results from an A to T substitution at nucleotide position 1583. The glutamic acid at codon 528 is replaced by valine, an amino acid with dissimilar properties. This amino acid position is conserved. In addition, this alteration is predicted to be tolerated by in silico analysis. Since supporting evidence is limited at this time, the clinical significance of this alteration remains unclear.